The following is an entry in ClinVar:

NM_005051.3(QARS1):c.953T>A (p.Ile318Asn)

Gene: QARS1 (glutaminyl-tRNA synthetase 1; minus strand). Cytogenetic location: 3p21.31.
Variant type: single nucleotide variant.
Coding change: c.953T>A on transcript NM_005051.3 (MANE Select); coding-DNA position 953, T replaced by A.
Protein change: p.Ile318Asn; replaces isoleucine 318 with asparagine.
Molecular consequence: missense variant. On other transcripts: non-coding transcript variant (1).
Genome position (GRCh38, 1-based): chr3:49,100,598, A>T on the plus strand (T>A on the coding strand, the complement: QARS1 is on the minus strand). VCF-style: chr3-49100598-A-T. GRCh37 (hg19) VCF-style: chr3-49138031-A-T.
Other names: c.920T>A, p.Ile307Asn (NM_001272073.2); short protein forms I307N, I318N.
Identifiers: ClinVar variation 4847489 (VCV004847489.1).
Genomic context (GRCh38, chr3:49,100,598, plus strand): 5'-TAACCACCAGCCCTTCTAGGCTTTGCCTAGTCCATACCTAGCCAGGCTACCATGTCACAG[A>T]TGGCCGTGAAGAACTTTGCTTCCTCCTTCTCAGGGTTGGTGTCATCAAAACGCAGAAAAC-3'
Protein context (NP_005042.1, residues 308-328): EKEEAKFFTA[Ile318Asn]CDMVAWLGYT

ClinVar aggregate classification (germline): Uncertain significance (1 of 4 stars; one submission).

gnomAD v4.1: 6 of 1,607,538 alleles (0.00037%); highest among the groups gnomAD compares: African/African-American, 0.008%; no homozygotes.

Submission:

Women's Health and Genetics/Laboratory Corporation of America, LabCorp
Classification: Uncertain significance. Last evaluated: 2026-03-04. Review status: criteria provided, single submitter. Criteria: LabCorp Variant Classification Summary - May 2015. Collection method: clinical testing. Allele origin: germline.
Comment: Variant summary: QARS1 c.953T>A (p.Ile318Asn) results in a non-conservative amino acid change in the encoded protein sequence. Algorithms developed to predict the effect of missense changes on protein structure and function all suggest that this variant is likely to be disruptive. The frequency of this variant in the general population could not be determined as the technology used for large population databases (ExAC, gnomAD, ESP, 1000G) cannot detect variants of this type. The available data on variant occurrences in the general population are insufficient to allow any conclusion about variant significance. To our knowledge, no occurrence of c.953T>A in individuals affected with QARS1-related conditions and no experimental evidence demonstrating its impact on protein function have been reported. No submitters have cited clinical-significance assessments for this variant to ClinVar. Based on the evidence outlined above, the variant was classified as uncertain significance.